The following is an entry in ClinVar:

NM_001161352.2(KCNMA1):c.2423A>G (p.Lys808Arg)

Genes: KCNMA1-AS1 (KCNMA1 antisense RNA 1; plus strand), KCNMA1 (potassium calcium-activated channel subfamily M alpha 1; minus strand). Cytogenetic location: 10q22.3.
Variant type: single nucleotide variant.
Coding change: c.2423A>G on transcript NM_001161352.2 (MANE Select); coding-DNA position 2423, A replaced by G.
Protein change: p.Lys808Arg; replaces lysine 808 with arginine.
Molecular consequence: missense variant.
Genome position (GRCh38, 1-based): chr10:76,953,862, T>C on the plus strand (A>G on the coding strand, the complement: KCNMA1 is on the minus strand). VCF-style: chr10-76953862-T-C. GRCh37 (hg19) VCF-style: chr10-78713620-T-C.
Other names: c.2261A>G, p.Lys754Arg (NM_001014797.3, NM_001322835.2, NM_001322837.2); c.2249A>G, p.Lys750Arg (NM_001161353.2, NM_001322832.2, NM_002247.4); c.2099A>G, p.Lys700Arg (NM_001271518.2); c.2258A>G, p.Lys753Arg (NM_001271519.2, NM_001322829.2, NM_001322836.2); c.2270A>G, p.Lys757Arg (NM_001322830.2); c.1796A>G, p.Lys599Arg (NM_001322838.2); short protein forms K750R, K754R, K808R, K700R, K753R, K599R, K757R.
Identifiers: ClinVar variation 1345976 (VCV001345976.6), dbSNP rs780661063, ClinGen allele CA377407668.

ClinVar aggregate classification (germline): Uncertain significance (1 of 4 stars; one submission).

Conditions:
Generalized epilepsy-paroxysmal dyskinesia syndrome (PNKD3). Also called: Generalized epilepsy and paroxysmal dyskinesia; Paroxysmal nonkinesigenic dyskinesia, 3, with or without generalized epilepsy. Identifiers: Orphanet 79137, MedGen C5574945, MONDO:0012276, OMIM 609446.

gnomAD v4.1: 2 of 1,614,096 alleles (0.00012%); highest among the groups gnomAD compares: Non-Finnish European, 0.000085%; no homozygotes.

Submission:

Labcorp Genetics (formerly Invitae), Labcorp
Classification: Uncertain significance for Generalized epilepsy-paroxysmal dyskinesia syndrome. Last evaluated: 2024-12-16. Review status: criteria provided, single submitter. Criteria: Invitae Variant Classification Sherloc (09022015). Collection method: clinical testing. Allele origin: germline.
Comment: This sequence change replaces lysine, which is basic and polar, with arginine, which is basic and polar, at codon 750 of the KCNMA1 protein (p.Lys750Arg). This variant is present in population databases (no rsID available, gnomAD 0.0009%). This variant has not been reported in the literature in individuals affected with KCNMA1-related conditions. ClinVar contains an entry for this variant (Variation ID: 1345976). Invitae Evidence Modeling of protein sequence and biophysical properties (such as structural, functional, and spatial information, amino acid conservation, physicochemical variation, residue mobility, and thermodynamic stability) indicates that this missense variant is not expected to disrupt KCNMA1 protein function with a negative predictive value of 80%. In summary, the available evidence is currently insufficient to determine the role of this variant in disease. Therefore, it has been classified as a Variant of Uncertain Significance.